The following is an entry in ClinVar:

NM_006073.4(TRDN):c.437A>G (p.Asp146Gly)

Gene: TRDN (triadin; minus strand). Cytogenetic location: 6q22.31.
Variant type: single nucleotide variant.
Coding change: c.437A>G on transcript NM_006073.4 (MANE Select); coding-DNA position 437, A replaced by G.
Protein change: p.Asp146Gly; replaces aspartic acid 146 with glycine.
Molecular consequence: missense variant.
Genome position (GRCh38, 1-based): chr6:123,530,553, T>C on the plus strand (A>G on the coding strand, the complement: TRDN is on the minus strand). VCF-style: chr6-123530553-T-C. GRCh37 (hg19) VCF-style: chr6-123851698-T-C.
Other names: c.437A>G, p.Asp146Gly (NM_001251987.2, NM_001256020.2, NM_001256021.2 and 1 more transcripts); c.437A>G (NM_006073.2); short protein forms D146G.
Identifiers: ClinVar variation 1254520 (VCV001254520.4), dbSNP rs1449421617, ClinGen allele CA365568500.

ClinVar aggregate classification (germline): Uncertain significance. Review status: criteria provided, multiple submitters, no conflicts (2 of 4 stars). 2 submissions from 2 submitters: Uncertain significance (2). Last evaluated 2023-09-23.

Conditions:
Cardiovascular phenotype. Identifiers: MedGen CN230736.

Allele frequency attached by ClinVar (database versions not stated): gnomAD exomes below 0.00001; gnomAD 0.00001; TOPMed 0.00001.
gnomAD v4.1: 5 of 1,253,706 alleles (0.0004%); highest among the groups gnomAD compares: Non-Finnish European, 0.00053%; no homozygotes.

Submissions (2):

Ambry Genetics
Classification: Uncertain significance for Cardiovascular phenotype. Last evaluated: 2023-09-23. Review status: criteria provided, single submitter. Criteria: Ambry Variant Classification Scheme 2023. Collection method: clinical testing. Allele origin: germline.
Comment: The p.D146G variant (also known as c.437A>G), located in coding exon 5 of the TRDN gene, results from an A to G substitution at nucleotide position 437. The aspartic acid at codon 146 is replaced by glycine, an amino acid with similar properties. This amino acid position is conserved. In addition, this alteration is predicted to be tolerated by in silico analysis. Since supporting evidence is limited at this time, the clinical significance of this alteration remains unclear.

GeneDx
Classification: Uncertain significance. Last evaluated: 2021-03-12. Review status: criteria provided, single submitter. Criteria: GeneDx Variant Classification Process June 2021. Collection method: clinical testing. Allele origin: germline. Affected: yes.
Comment: Not observed in large population cohorts (Lek et al., 2016); In silico analysis supports that this missense variant has a deleterious effect on protein structure/function; In silico analysis supports a deleterious effect on splicing; Has not been previously published as pathogenic or benign to our knowledge